The following is an entry in ClinVar:

NM_000492.4(CFTR):c.1083G>A (p.Trp361Ter)

Gene: CFTR (CF transmembrane conductance regulator; plus strand). Cytogenetic location: 7q31.2.
Variant type: single nucleotide variant.
Coding change: c.1083G>A on transcript NM_000492.4 (MANE Select); coding-DNA position 1083, G replaced by A.
Protein change: p.Trp361Ter; replaces tryptophan 361 with a stop codon.
Molecular consequence: nonsense.
Genome position (GRCh38, 1-based): chr7:117,540,313, G>A. VCF-style: chr7-117540313-G-A. GRCh37 (hg19) VCF-style: chr7-117180367-G-A.
Other names: short protein forms W361*.
Identifiers: ClinVar variation 4818461 (VCV004818461.1).

ClinVar aggregate classification (germline): Pathogenic (1 of 4 stars; one submission).

Conditions:
CFTR-related disorder (CFTR-RD). Also called: CFTR-related disorders; CFTR-related condition. Identifiers: MedGen C5924204, MONDO:7770004.

gnomAD v4.1: 1 of 1,613,874 alleles (0.000062%); highest among the groups gnomAD compares: South Asian, 0.0011%; no homozygotes.

Submission:

Natera, Inc.
Classification: Pathogenic for CFTR-related disorders. Last evaluated: 2024-11-23. Review status: criteria provided, single submitter. Criteria: Natera Variant Classification Schema (03/2026). Collection method: clinical testing. Allele origin: germline.
Comment: The c.1083G>A variant in CFTR is a nonsense variant predicted to introduce a stop codon at amino acid 361. This variant is expected to result in nonsense mediated decay, truncation, or a dysfunctional protein product. This variant is rare in the general population with a frequency below the threshold expected for the associated phenotype(s). This variant has been observed in one or more individuals affected with the associated recessive disease, as either homozygous or compound heterozygous with a second variant (PMID: 30548586). Given the available evidence, this variant is classified as Pathogenic.

Literature cited by the submitters: PubMed 30548586.